The following is an entry in ClinVar:

NM_198578.4(LRRK2):c.328G>A (p.Glu110Lys)

Gene: LRRK2 (leucine rich repeat kinase 2; plus strand). Cytogenetic location: 12q12.
Variant type: single nucleotide variant.
Coding change: c.328G>A on transcript NM_198578.4 (MANE Select); coding-DNA position 328, G replaced by A.
Protein change: p.Glu110Lys; replaces glutamic acid 110 with lysine.
Molecular consequence: missense variant.
Genome position (GRCh38, 1-based): chr12:40,232,364, G>A. VCF-style: chr12-40232364-G-A. GRCh37 (hg19) VCF-style: chr12-40626166-G-A.
Other names: short protein forms E110K.
Identifiers: ClinVar variation 2624883 (VCV002624883.2), dbSNP rs2499381884, ClinGen allele CA384401704.

ClinVar aggregate classification (germline): Uncertain significance (1 of 4 stars; one submission).

Conditions:
Inborn genetic diseases. Identifiers: MedGen C0950123, MeSH D030342.

Submission:

Ambry Genetics
Classification: Uncertain significance for Inborn genetic diseases. Last evaluated: 2023-08-26. Review status: criteria provided, single submitter. Criteria: Ambry Variant Classification Scheme 2023. Collection method: clinical testing. Allele origin: germline.
Comment: The p.E110K variant (also known as c.328G>A), located in coding exon 3 of the LRRK2 gene, results from a G to A substitution at nucleotide position 328. The glutamic acid at codon 110 is replaced by lysine, an amino acid with similar properties. This amino acid position is conserved. In addition, the in silico prediction for this alteration is inconclusive. Since supporting evidence is limited at this time, the clinical significance of this alteration remains unclear.